The following is an entry in ClinVar:

ClinVar aggregate classification (germline): Likely benign (1 of 4 stars; one submission).

Conditions:
CHD4-related disorder. Also called: CHD4-related condition.

Submission:

PreventionGenetics, part of Exact Sciences
Classification: Likely benign for CHD4-related condition. Last evaluated: 2024-11-23. Review status: criteria provided, single submitter. Criteria: ACMG Guidelines, 2015. Collection method: clinical testing. Allele origin: germline.
Comment: This variant is classified as likely benign based on ACMG/AMP sequence variant interpretation guidelines (Richards et al. 2015 PMID: 25741868, with internal and published modifications).

NM_001273.5(CHD4):c.171T>G (p.Pro57=)

Gene: CHD4 (chromodomain helicase DNA binding protein 4; minus strand). Cytogenetic location: 12p13.31.
Variant type: single nucleotide variant.
Coding change: c.171T>G on transcript NM_001273.5 (MANE Select); coding-DNA position 171, T replaced by G.
Protein change: p.Pro57=; no amino-acid change (proline 57 retained).
Molecular consequence: synonymous variant.
Genome position (GRCh38, 1-based): chr12:6,602,427, A>C on the plus strand (T>G on the coding strand, the complement: CHD4 is on the minus strand). VCF-style: chr12-6602427-A-C. GRCh37 (hg19) VCF-style: chr12-6711593-A-C.
Other names: c.171T>G, p.Pro57= (NM_001297553.2, NM_001363606.2).
Identifiers: ClinVar variation 5000424 (VCV005000424.1).